The following is an entry in ClinVar:

ClinVar aggregate classification (germline): Uncertain significance. Review status: criteria provided, multiple submitters, no conflicts (2 of 4 stars). 2 submissions from 2 submitters: Uncertain significance (2). Last evaluated 2022-01-11.

Conditions:
Dyskeratosis congenita, autosomal dominant 2. Identifiers: MedGen C3151443, MONDO:0013521, OMIM 613989.
Idiopathic Pulmonary Fibrosis. Also called: Idiopathic fibrosing alveolitis, chronic form; idiopathic fibrosing alveolitis. Identifiers: Orphanet 2032, MedGen C1800706, MeSH D054990, MONDO:0800504.
Dyskeratosis congenita. Identifiers: Orphanet 1775, MedGen C0265965, MONDO:0015780.

gnomAD v4.1: 6 of 1,611,346 alleles (0.00037%); highest among the groups gnomAD compares: Non-Finnish European, 0.00051%; no homozygotes.

Submissions (2):

Ambry Genetics
Classification: Uncertain significance for Dyskeratosis congenita. Last evaluated: 2022-01-11. Review status: criteria provided, single submitter. Criteria: Ambry Variant Classification Scheme 2023. Collection method: clinical testing. Allele origin: germline.
Comment: The p.P1108R variant (also known as c.3323C>G), located in coding exon 16 of the TERT gene, results from a C to G substitution at nucleotide position 3323. The proline at codon 1108 is replaced by arginine, an amino acid with dissimilar properties. This amino acid position is conserved. In addition, the in silico prediction for this alteration is inconclusive. Since supporting evidence is limited at this time, the clinical significance of this alteration remains unclear.

Labcorp Genetics (formerly Invitae), Labcorp
Classification: Uncertain significance for Dyskeratosis congenita, autosomal dominant 2; Idiopathic Pulmonary Fibrosis. Last evaluated: 2021-08-31. Review status: criteria provided, single submitter. Criteria: Invitae Variant Classification Sherloc (09022015). Collection method: clinical testing. Allele origin: germline.
Comment: This sequence change replaces proline with arginine at codon 1108 of the TERT protein (p.Pro1108Arg). The proline residue is moderately conserved and there is a moderate physicochemical difference between proline and arginine. This variant is not present in population databases (ExAC no frequency). This variant has not been reported in the literature in individuals affected with TERT-related conditions. Algorithms developed to predict the effect of missense changes on protein structure and function are either unavailable or do not agree on the potential impact of this missense change (SIFT: "Tolerated"; PolyPhen-2: "Probably Damaging"; Align-GVGD: "Class C0"). In summary, the available evidence is currently insufficient to determine the role of this variant in disease. Therefore, it has been classified as a Variant of Uncertain Significance.

NM_198253.3(TERT):c.3323C>G (p.Pro1108Arg)

Gene: TERT (telomerase reverse transcriptase; minus strand). Cytogenetic location: 5p15.33.
Variant type: single nucleotide variant.
Coding change: c.3323C>G on transcript NM_198253.3 (MANE Select); coding-DNA position 3323, C replaced by G.
Protein change: p.Pro1108Arg; replaces proline 1108 with arginine.
Molecular consequence: missense variant. On other transcripts: non-coding transcript variant (2).
Genome position (GRCh38, 1-based): chr5:1,253,804, G>C on the plus strand (C>G on the coding strand, the complement: TERT is on the minus strand). VCF-style: chr5-1253804-G-C. GRCh37 (hg19) VCF-style: chr5-1253919-G-C.
Other names: c.3134C>G, p.Pro1045Arg (NM_001193376.3); short protein forms P1045R, P1108R.
Identifiers: ClinVar variation 1051681 (VCV001051681.7), dbSNP rs376255453, ClinGen allele CA359066798.